The following is an entry in ClinVar:

ClinVar aggregate classification (germline): Uncertain significance (1 of 4 stars; one submission).

Conditions:
Hereditary spastic paraplegia 39 (SPG39). Also called: SPASTIC PARAPLEGIA 39, AUTOSOMAL RECESSIVE; Spastic Paraplegia Type 39 (SPG39). Identifiers: Orphanet 139480, MedGen C2677586, MONDO:0012787, OMIM 612020.

Submission:

Labcorp Genetics (formerly Invitae), Labcorp
Classification: Uncertain significance for Hereditary spastic paraplegia 39. Last evaluated: 2022-07-19. Review status: criteria provided, single submitter. Criteria: Invitae Variant Classification Sherloc (09022015). Collection method: clinical testing. Allele origin: germline.
Comment: In summary, the available evidence is currently insufficient to determine the role of this variant in disease. Therefore, it has been classified as a Variant of Uncertain Significance. Algorithms developed to predict the effect of missense changes on protein structure and function (SIFT, PolyPhen-2, Align-GVGD) all suggest that this variant is likely to be tolerated. ClinVar contains an entry for this variant (Variation ID: 1024920). This variant has not been reported in the literature in individuals affected with PNPLA6-related conditions. This variant is not present in population databases (gnomAD no frequency). This sequence change replaces proline, which is neutral and non-polar, with histidine, which is basic and polar, at codon 331 of the PNPLA6 protein (p.Pro331His).

NM_001166114.2(PNPLA6):c.1109C>A (p.Pro370His)

Gene: PNPLA6 (patatin like domain 6, lysophospholipase; plus strand). Cytogenetic location: 19p13.2.
Variant type: single nucleotide variant.
Coding change: c.1109C>A on transcript NM_001166114.2 (MANE Select); coding-DNA position 1109, C replaced by A.
Protein change: p.Pro370His; replaces proline 370 with histidine.
Molecular consequence: missense variant.
Genome position (GRCh38, 1-based): chr19:7,541,625, C>A. VCF-style: chr19-7541625-C-A. GRCh37 (hg19) VCF-style: chr19-7606511-C-A.
Other names: c.1136C>A, p.Pro379His (NM_001166111.2); c.992C>A, p.Pro331His (NM_001166112.2, NM_001166113.1, NM_006702.5); short protein forms P331H, P370H, P379H.
Identifiers: ClinVar variation 1024920 (VCV001024920.8), dbSNP rs200897068, ClinGen allele CA403109743.